The following is an entry in ClinVar:

ClinVar aggregate classification (germline): Uncertain significance (1 of 4 stars; one submission).

Conditions:
Norman-Roberts syndrome (LIS2). Also called: Lissencephaly 2 (Norman-Roberts type). Identifiers: Orphanet 89844, MedGen C0796089, MONDO:0009760, OMIM 257320.
Familial temporal lobe epilepsy 7. Identifiers: Orphanet 101046, MedGen C4225327, MONDO:0014639, OMIM 616436.

Submission:

Labcorp Genetics (formerly Invitae), Labcorp
Classification: Uncertain significance for Familial temporal lobe epilepsy 7; Norman-Roberts syndrome. Last evaluated: 2024-06-03. Review status: criteria provided, single submitter. Criteria: Invitae Variant Classification Sherloc (09022015). Collection method: clinical testing. Allele origin: germline.
Comment: This variant, c.5009_5020del, results in the deletion of 4 amino acid(s) of the RELN protein (p.Met1670_Ser1673del), but otherwise preserves the integrity of the reading frame. This variant is not present in population databases (gnomAD no frequency). This variant has not been reported in the literature in individuals affected with RELN-related conditions. ClinVar contains an entry for this variant (Variation ID: 2015106). Experimental studies and prediction algorithms are not available or were not evaluated, and the functional significance of this variant is currently unknown. In summary, the available evidence is currently insufficient to determine the role of this variant in disease. Therefore, it has been classified as a Variant of Uncertain Significance.

NM_005045.4(RELN):c.5009_5020del (p.Met1670_Ser1673del)

Gene: RELN (reelin; minus strand). Cytogenetic location: 7q22.1.
Variant type: Deletion.
Coding change: c.5009_5020del on transcript NM_005045.4 (MANE Select); coding-DNA positions 5009 to 5020, 12 bases deleted (TGGGCTGTAGCA).
Protein change: p.Met1670_Ser1673del.
Molecular consequence: inframe deletion.
Genome position (GRCh38, 1-based): chr7:103,565,468-103,565,479, TGCTACAGCCCA deleted on the plus strand (TGGGCTGTAGCA on the coding strand, the reverse complement: RELN is on the minus strand); deleting any 12 consecutive bases within chr7:103,565,468-103,565,483 gives the same sequence; the c. name uses the placement nearest the transcript's 3' end. VCF-style (leftmost placement, unchanged base first): chr7-103565467-TTGCTACAGCCCA-T. GRCh37 (hg19) VCF-style: chr7-103205914-TTGCTACAGCCCA-T.
Other names: c.5009_5020del, p.Met1670_Ser1673del (NM_173054.3).
Identifiers: ClinVar variation 2015106 (VCV002015106.4), dbSNP rs2484741358, ClinGen allele CA2580076071.